The following is an entry in ClinVar:

ClinVar aggregate classification (germline): Conflicting classifications of pathogenicity. Review status: criteria provided, conflicting classifications (1 of 4 stars). 2 submissions from 2 submitters: Uncertain significance (1); Likely benign (1). Last evaluated 2024-09-26.

Conditions:
Hereditary breast ovarian cancer syndrome. Also called: Hereditary breast and/or ovarian cancer syndrome; Hereditary breast and ovarian cancer syndrome; Hereditary breast and ovarian cancer; Hereditary breast and ovarian cancer syndrome (HBOC); Breast and ovarian cancer; BRCA1- and BRCA2-Associated Hereditary Breast and Ovarian Cancer. Identifiers: Orphanet 145, MedGen C0677776, MeSH D061325, MONDO:0003582. Disease mechanism: loss of function.
Hereditary cancer-predisposing syndrome. Also called: Hereditary neoplastic syndrome; Neoplastic Syndromes, Hereditary; Tumor predisposition; Hereditary Cancer Syndrome. Identifiers: Orphanet 140162, MedGen C0027672, MeSH D009386, MONDO:0015356.

gnomAD v4.1: 3 of 1,613,952 alleles (0.00019%); highest among the groups gnomAD compares: South Asian, 0.0011%; no homozygotes.

Submissions (2):

Labcorp Genetics (formerly Invitae), Labcorp
Classification: Uncertain significance for Hereditary breast ovarian cancer syndrome. Last evaluated: 2024-09-26. Review status: criteria provided, single submitter. Criteria: Invitae Variant Classification Sherloc (09022015). Collection method: clinical testing. Allele origin: germline.
Comment: This sequence change replaces leucine, which is neutral and non-polar, with isoleucine, which is neutral and non-polar, at codon 1521 of the BRCA2 protein (p.Leu1521Ile). This variant is not present in population databases (gnomAD no frequency). This variant has not been reported in the literature in individuals affected with BRCA2-related conditions. ClinVar contains an entry for this variant (Variation ID: 2096860). Invitae Evidence Modeling of protein sequence and biophysical properties (such as structural, functional, and spatial information, amino acid conservation, physicochemical variation, residue mobility, and thermodynamic stability) indicates that this missense variant is not expected to disrupt BRCA2 protein function with a negative predictive value of 95%. In summary, the available evidence is currently insufficient to determine the role of this variant in disease. Therefore, it has been classified as a Variant of Uncertain Significance.

University of Washington Department of Laboratory Medicine, University of Washington
Classification: Likely benign for Hereditary cancer-predisposing syndrome. Last evaluated: 2023-03-23. Review status: criteria provided, single submitter. Criteria: Dines et al. (Genet Med. 2020). Collection method: curation. Allele origin: germline.
Comment: Missense variant in a coldspot region where missense variants are very unlikely to be pathogenic (PMID:31911673).

BRCA2 exon 11 coldspot. Reclassification based on statistical prior probability.

NM_000059.4(BRCA2):c.4561C>A (p.Leu1521Ile)

Gene: BRCA2 (BRCA2 DNA repair associated; plus strand). Cytogenetic location: 13q13.1.
Variant type: single nucleotide variant.
Coding change: c.4561C>A on transcript NM_000059.4 (MANE Select); coding-DNA position 4561, C replaced by A.
Protein change: p.Leu1521Ile; replaces leucine 1521 with isoleucine.
Molecular consequence: missense variant.
Genome position (GRCh38, 1-based): chr13:32,338,916, C>A. VCF-style: chr13-32338916-C-A. GRCh37 (hg19) VCF-style: chr13-32913053-C-A.
Other names: c.4561C>A, p.Leu1521Ile (NM_001406719.1, NM_001406720.1); short protein forms L1521I.
Identifiers: ClinVar variation 2096860 (VCV002096860.6), dbSNP rs370723514, ClinGen allele CA387781825.